The following is an entry in ClinVar:

ClinVar aggregate classification (germline): Likely benign. Review status: criteria provided, single submitter (1 of 4 stars). 2 submissions from 2 submitters: Likely benign (1). 1 of the submissions does not count toward it. Last evaluated 2025-10-02.

Conditions:
LPIN1-related disorder. Also called: LPIN1-related condition.

Allele frequency attached by ClinVar (database versions not stated): gnomAD 0.00001; gnomAD exomes 0.00002; TOPMed below 0.00001.
gnomAD v4.1: 33 of 1,613,638 alleles (0.002%); highest among the groups gnomAD compares: Non-Finnish European, 0.0025%; no homozygotes.

Submissions (2):

Labcorp Genetics (formerly Invitae), Labcorp
Classification: Likely benign. Last evaluated: 2025-10-02. Review status: criteria provided, single submitter. Criteria: Invitae Variant Classification Sherloc (09022015). Collection method: clinical testing. Allele origin: germline.

PreventionGenetics, part of Exact Sciences
Classification: Likely benign for LPIN1-related condition. Last evaluated: 2022-12-12. Review status: no assertion criteria provided. Collection method: clinical testing. Allele origin: germline. Not counted in ClinVar's aggregate classification.
Comment: This variant is classified as likely benign based on ACMG/AMP sequence variant interpretation guidelines (Richards et al. 2015 PMID: 25741868, with internal and published modifications).

NM_001349206.2(LPIN1):c.1265-4T>C

Gene: LPIN1 (lipin 1; plus strand). Cytogenetic location: 2p25.1.
Variant type: single nucleotide variant.
Coding change: c.1265-4T>C on transcript NM_001349206.2 (MANE Select); 4 bases into the intron before coding-DNA position 1265, T replaced by C.
Molecular consequence: intron variant.
Genome position (GRCh38, 1-based): chr2:11,783,825, T>C. VCF-style: chr2-11783825-T-C. GRCh37 (hg19) VCF-style: chr2-11923951-T-C.
Other names: c.1157-4T>C (NM_145693.2, NM_001349200.2, NM_001349199.2 and 2 more transcripts); c.1412-4T>C (NM_001261428.3); c.1304-4T>C (NM_001349208.2); c.1355-4T>C (NM_001349207.2); c.1175-4T>C (NM_001261427.3); c.1265-4T>C (NM_001349204.2, NM_001349205.2); c.1262-4T>C (NM_001349202.2, NM_001349203.2).
Identifiers: ClinVar variation 2731493 (VCV002731493.5), dbSNP rs759464520, ClinGen allele CA42604539.
Genomic context (GRCh38, chr2:11,783,825, plus strand): 5'-ATACAAGGCCATGAGCTCATTTCTAGAAGAGTGGTTTTCTGACTTGAGCCATTTGCCGTT[T>C]TAGATAAACGAAGCCGACATCTTGGTGCTGACGGCGTCTACTTGGATGACCTCACAGACA-3'